The following is an entry in ClinVar:

ClinVar aggregate classification (germline): Likely benign. Review status: criteria provided, single submitter (1 of 4 stars). 2 submissions from 2 submitters: Likely benign (1). 1 of the submissions does not count toward it. Last evaluated 2025-12-15.

Conditions:
DNAJB11-related disorder. Also called: DNAJB11-related condition.

Allele frequency attached by ClinVar (database versions not stated): gnomAD exomes below 0.00001; ExAC 0.00001; TOPMed 0.00002; gnomAD 0.00003.

Submissions (2):

Labcorp Genetics (formerly Invitae), Labcorp
Classification: Likely benign. Last evaluated: 2025-12-15. Review status: criteria provided, single submitter. Criteria: Invitae Variant Classification Sherloc (09022015). Collection method: clinical testing. Allele origin: germline.

PreventionGenetics, part of Exact Sciences
Classification: Likely benign for DNAJB11-related condition. Last evaluated: 2019-06-25. Review status: no assertion criteria provided. Collection method: clinical testing. Allele origin: germline. Not counted in ClinVar's aggregate classification.
Comment: This variant is classified as likely benign based on ACMG/AMP sequence variant interpretation guidelines (Richards et al. 2015 PMID: 25741868, with internal and published modifications).

NM_016306.6(DNAJB11):c.69-7T>G

Gene: DNAJB11 (DnaJ heat shock protein family (Hsp40) member B11; plus strand). Cytogenetic location: 3q27.3.
Variant type: single nucleotide variant.
Coding change: c.69-7T>G on transcript NM_016306.6 (MANE Select); 7 bases into the intron before coding-DNA position 69, T replaced by G.
Molecular consequence: intron variant.
Genome position (GRCh38, 1-based): chr3:186,572,088, T>G. VCF-style: chr3-186572088-T-G. GRCh37 (hg19) VCF-style: chr3-186289877-T-G.
Other names: c.69-7T>G (NM_001378451.1).
Identifiers: ClinVar variation 3034430 (VCV003034430.3), dbSNP rs761209634, ClinGen allele CA2744418.
Genomic context (GRCh38, chr3:186,572,088, plus strand): 5'-AATCTTTTACTTTGAAAAATGTAACATGTAACTCTTTAATGAAGTATTCTCTCCCTCTAC[T>G]TCCCAGACGAGATTTCTATAAGATCTTGGGGGTGCCTCGAAGTGCCTCTATAAAGGATAT-3'